The following is an entry in ClinVar:

NC_000010.10:g.(?_123310784)_(123325238_?)dup

Gene: FGFR2 (fibroblast growth factor receptor 2; minus strand). Cytogenetic location: 10q26.13.
Variant type: Duplication.
Identifiers: ClinVar variation 3244924 (VCV003244924.1).

ClinVar aggregate classification (germline): Uncertain significance (1 of 4 stars; one submission).

Conditions:
FGFR2-related craniosynostosis. Identifiers: MedGen CN231480.

Submission:

Labcorp Genetics (formerly Invitae), Labcorp
Classification: Uncertain significance for FGFR2-related craniosynostosis. Last evaluated: 2023-11-03. Review status: criteria provided, single submitter. Criteria: Invitae Variant Classification Sherloc (09022015). Collection method: clinical testing. Allele origin: unknown.
Comment: This variant results in a copy number gain of the genomic region encompassing exon(s) 3-5 of the FGFR2 gene. While the exact position of this variant cannot be determined from the data, sub-genic copy number gains are generally in tandem (PMID: 25640679). This variant is predicted to be out-of-frame, and may result in an absent or disrupted protein product. However, the current clinical and genetic evidence is not sufficient to establish whether loss-of-function variants in FGFR2 cause disease. This variant has not been reported in the literature in individuals affected with FGFR2-related conditions. In summary, the available evidence is currently insufficient to determine the role of this variant in disease. Therefore, it has been classified as a Variant of Uncertain Significance.

Literature cited by the submitters: PubMed 25640679.